The following is an entry in ClinVar:

ClinVar aggregate classification (germline): Uncertain significance. Review status: criteria provided, single submitter (1 of 4 stars). 2 submissions from 2 submitters: Uncertain significance (1). 1 of the submissions does not count toward it. Last evaluated 2022-03-27.

Conditions:
IFT140-related disorder. Also called: IFT140-related condition.

Submissions (2):

Blueprint Genetics
Classification: Uncertain significance. Last evaluated: 2022-03-27. Review status: criteria provided, single submitter. Criteria: ACMG Guidelines, 2015. Collection method: clinical testing. Allele origin: germline.

PreventionGenetics, part of Exact Sciences
Classification: Likely benign for IFT140-related condition. Last evaluated: 2023-09-28. Review status: no assertion criteria provided. Collection method: clinical testing. Allele origin: germline. Not counted in ClinVar's aggregate classification.
Comment: This variant is classified as likely benign based on ACMG/AMP sequence variant interpretation guidelines (Richards et al. 2015 PMID: 25741868, with internal and published modifications).

NM_014714.4(IFT140):c.2577+23TGGG[3]

Gene: IFT140 (intraflagellar transport 140; minus strand). Cytogenetic location: 16p13.3.
Variant type: Microsatellite.
Coding change: c.2577+23TGGG[3] on transcript NM_014714.4 (MANE Select); three copies in a row of the 4-base unit TGGG starting at c.2577+23; the reference has two copies in a row; one copy, 4 bases duplicated.
Molecular consequence: intron variant.
Genome position (GRCh38, 1-based): chr16:1,526,589-1,526,592, CCCA duplicated on the plus strand (TGGG on the coding strand, the reverse complement: IFT140 is on the minus strand); duplicating any 4 consecutive bases within chr16:1,526,589-1,526,599 gives the same sequence; the position shown is the placement nearest the transcript's 3' end. VCF-style (leftmost placement, unchanged base first): chr16-1526588-T-TCCCA. GRCh37 (hg19) VCF-style: chr16-1576589-T-TCCCA.
Identifiers: ClinVar variation 3046642 (VCV003046642.3), dbSNP rs1440080834, ClinGen allele CA620701182.
Genomic context (GRCh38, chr16:1,526,588, plus strand): 5'-GGCCGGTGGGCGTGCCTCCTCCTTCCCCAGGGGGCCGTGGCTGTGGCAGGCGTGGTGCCT[T>TCCCA]CCCACCCACCCCATGGCGGGCGCCCCTCACCAGCATGCCCAGCTGCGTGGCCAGCACGGC-3'